The following is an entry in ClinVar:

NM_002691.4(POLD1):c.2363C>T (p.Ser788Leu)

Gene: POLD1 (DNA polymerase delta 1, catalytic subunit; plus strand). Cytogenetic location: 19q13.33.
Variant type: single nucleotide variant.
Coding change: c.2363C>T on transcript NM_002691.4 (MANE Select); coding-DNA position 2363, C replaced by T.
Protein change: p.Ser788Leu; replaces serine 788 with leucine.
Molecular consequence: missense variant. On other transcripts: non-coding transcript variant (1).
Genome position (GRCh38, 1-based): chr19:50,413,854, C>T. VCF-style: chr19-50413854-C-T. GRCh37 (hg19) VCF-style: chr19-50917111-C-T.
Other names: c.2363C>T, p.Ser788Leu (NM_001256849.1); c.2441C>T, p.Ser814Leu (NM_001308632.1); c.2363C>T (NM_002691.2); short protein forms S788L, S814L.
Identifiers: ClinVar variation 537026 (VCV000537026.9), dbSNP rs866494171, ClinGen allele CA309604496.
Genomic context (GRCh38, chr19:50,413,854, plus strand): 5'-TGGCTGAGGCGATGGCCCTGGGGCGGGAGGCCGCGGACTGGGTGTCAGGTCACTTCCCGT[C>T]GCCCATCCGGCTGGAGTTTGAGAAGGTGCGTGGCTGGGTCAGGGGCTCTGCATTTAGGTG-3'
Protein context (NP_002682.2, residues 778-798): AADWVSGHFP[Ser788Leu]PIRLEFEKVY

ClinVar aggregate classification (germline): Conflicting classifications of pathogenicity. Review status: criteria provided, conflicting classifications (1 of 4 stars). 2 submissions from 2 submitters: Uncertain significance (1); Likely benign (1). Last evaluated 2025-08-04.

Conditions:
Hereditary cancer-predisposing syndrome. Also called: Tumor predisposition; Neoplastic Syndromes, Hereditary; Hereditary Cancer Syndrome; Hereditary neoplastic syndrome. Identifiers: Orphanet 140162, MedGen C0027672, MeSH D009386, MONDO:0015356.
POLD1-related polyposis and colorectal cancer syndrome (CRCS10). Also called: Colorectal cancer 10; COLORECTAL CANCER, SUSCEPTIBILITY TO, ON CHROMOSOME 19q; Colorectal cancer, susceptibility to, 10. Identifiers: Orphanet 220460, MedGen C2675481, MONDO:0012953, OMIM 612591.

Allele frequency attached by ClinVar (database versions not stated): gnomAD exomes below 0.00001; TOPMed below 0.00001.
gnomAD v4.1: 6 of 1,607,390 alleles (0.00037%); highest among the groups gnomAD compares: South Asian, 0.0011%; no homozygotes.

Submissions (2):

Ambry Genetics
Classification: Likely benign for Hereditary cancer-predisposing syndrome. Last evaluated: 2025-08-04. Review status: criteria provided, single submitter. Criteria: Ambry Variant Classification Scheme 2023. Collection method: clinical testing. Allele origin: germline.

Labcorp Genetics (formerly Invitae), Labcorp
Classification: Uncertain significance for POLD1-related polyposis and colorectal cancer syndrome. Last evaluated: 2024-06-21. Review status: criteria provided, single submitter. Criteria: Invitae Variant Classification Sherloc (09022015). Collection method: clinical testing. Allele origin: germline.
Comment: This sequence change replaces serine, which is neutral and polar, with leucine, which is neutral and non-polar, at codon 788 of the POLD1 protein (p.Ser788Leu). This variant is present in population databases (no rsID available, gnomAD no frequency). This variant has not been reported in the literature in individuals affected with POLD1-related conditions. ClinVar contains an entry for this variant (Variation ID: 537026). Advanced modeling of protein sequence and biophysical properties (such as structural, functional, and spatial information, amino acid conservation, physicochemical variation, residue mobility, and thermodynamic stability) performed at Invitae indicates that this missense variant is not expected to disrupt POLD1 protein function with a negative predictive value of 80%. In summary, the available evidence is currently insufficient to determine the role of this variant in disease. Therefore, it has been classified as a Variant of Uncertain Significance.